The following is an entry in ClinVar:

NM_000179.3(MSH6):c.1117C>T (p.Leu373Phe)

Gene: MSH6 (mutS homolog 6; plus strand). Cytogenetic location: 2p16.3.
Variant type: single nucleotide variant.
Coding change: c.1117C>T on transcript NM_000179.3 (MANE Select); coding-DNA position 1117, C replaced by T.
Protein change: p.Leu373Phe; replaces leucine 373 with phenylalanine.
Molecular consequence: missense variant.
Genome position (GRCh38, 1-based): chr2:47,799,100, C>T. VCF-style: chr2-47799100-C-T. GRCh37 (hg19) VCF-style: chr2-48026239-C-T.
Other names: c.727C>T, p.Leu243Phe (NM_001281492.2); c.211C>T, p.Leu71Phe (NM_001281493.2, NM_001281494.2); short protein forms L373F, L71F, L243F.
Identifiers: ClinVar variation 410462 (VCV000410462.26), dbSNP rs1060502915, ClinGen allele CA16610943.
Genomic context (GRCh38, chr2:47,799,100, plus strand): 5'-AGTGGAGGTGGTGATGACAGTAGTCGCCCTACTGTTTGGTATCATGAAACTTTAGAATGG[C>T]TTAAGGAGGAAAAGAGAAGAGATGAGCACAGGAGGAGGCCTGATCACCCCGATTTTGATG-3'
Protein context (NP_000170.1, residues 363-383): TVWYHETLEW[Leu373Phe]KEEKRRDEHR

ClinVar aggregate classification (germline): Conflicting classifications of pathogenicity. Review status: criteria provided, conflicting classifications (1 of 4 stars). 7 submissions from 7 submitters: Uncertain significance (6); Likely benign (1). Last evaluated 2026-02-14.

Conditions:
Hereditary cancer-predisposing syndrome. Also called: Tumor predisposition; Hereditary neoplastic syndrome; Neoplastic Syndromes, Hereditary; Hereditary Cancer Syndrome. Identifiers: Orphanet 140162, MedGen C0027672, MeSH D009386, MONDO:0015356.
Hereditary nonpolyposis colorectal neoplasms. Identifiers: MedGen C0009405, MeSH D003123.
Lynch syndrome. Identifiers: Orphanet 144, MedGen C4552100, MONDO:0005835. Disease mechanism: loss of function.

Allele frequency attached by ClinVar (database versions not stated): gnomAD exomes below 0.00001; gnomAD 0.00001.
gnomAD v4.1: 3 of 1,613,954 alleles (0.00019%); highest among the groups gnomAD compares: African/African-American, 0.0013%; no homozygotes.

Submissions (7):

Women's Health and Genetics/Laboratory Corporation of America, LabCorp
Classification: Uncertain significance. Last evaluated: 2026-02-14. Review status: criteria provided, single submitter. Criteria: LabCorp Variant Classification Summary - May 2015. Collection method: clinical testing. Allele origin: germline.

Ambry Genetics
Classification: Uncertain significance for Hereditary cancer-predisposing syndrome. Last evaluated: 2025-08-11. Review status: criteria provided, single submitter. Criteria: Ambry Variant Classification Scheme 2023. Collection method: clinical testing. Allele origin: germline.
Comment: The p.L373F variant (also known as c.1117C>T), located in coding exon 4 of the MSH6 gene, results from a C to T substitution at nucleotide position 1117. The leucine at codon 373 is replaced by phenylalanine, an amino acid with highly similar properties. This amino acid position is well conserved in available vertebrate species. In addition, the in silico prediction for this alteration is inconclusive. Since supporting evidence is limited at this time, the clinical significance of this alteration remains unclear.

Labcorp Genetics (formerly Invitae), Labcorp
Classification: Likely benign for Hereditary nonpolyposis colorectal neoplasms. Last evaluated: 2025-05-07. Review status: criteria provided, single submitter. Criteria: Invitae Variant Classification Sherloc (09022015). Collection method: clinical testing. Allele origin: germline.

All of Us Research Program, National Institutes of Health
Classification: Uncertain significance for Lynch syndrome. Last evaluated: 2023-10-23. Review status: criteria provided, single submitter. Criteria: ACMG Guidelines, 2015. Collection method: clinical testing. Allele origin: germline. Inheritance: Autosomal dominant inheritance. Observed: 3 variant alleles, 3 heterozygotes.
Comment: This missense variant replaces leucine with phenylalanine at codon 373 of the MSH6 protein. Computational prediction is inconclusive regarding the impact of this variant on protein structure and function (internally defined REVEL score threshold 0.5 < inconclusive < 0.7, PMID: 27666373). Splice site prediction tools suggest that this variant may not impact RNA splicing. To our knowledge, functional studies have not been performed for this variant. This variant has not been reported in individuals affected with hereditary cancer in the literature. This variant has not been identified in the general population by the Genome Aggregation Database (gnomAD). The available evidence is insufficient to determine the role of this variant in disease conclusively. Therefore, this variant is classified as a Variant of Uncertain Significance.

This study involves interpretation of variants in research participants for the purpose of population health screening. Participant phenotype was not available at the time of variant classification. Additional details can be found in publication PMID: 35346344, PMCID: PMC8962531

Color Diagnostics, LLC DBA Color Health
Classification: Uncertain significance for Hereditary cancer-predisposing syndrome. Last evaluated: 2023-07-21. Review status: criteria provided, single submitter. Criteria: ACMG Guidelines, 2015. Collection method: clinical testing. Allele origin: germline.
Comment: This missense variant replaces leucine with phenylalanine at codon 373 of the MSH6 protein. Computational prediction is inconclusive regarding the impact of this variant on protein structure and function (internally defined REVEL score threshold 0.5 < inconclusive < 0.7, PMID: 27666373). To our knowledge, functional studies have not been reported for this variant. This variant has not been reported in individuals affected with MSH6-related disorders in the literature. This variant has not been identified in the general population by the Genome Aggregation Database (gnomAD). The available evidence is insufficient to determine the role of this variant in disease conclusively. Therefore, this variant is classified as a Variant of Uncertain Significance.

GeneDx
Classification: Uncertain significance. Last evaluated: 2023-04-24. Review status: criteria provided, single submitter. Criteria: GeneDx Variant Classification Process June 2021. Collection method: clinical testing. Allele origin: germline. Affected: yes.
Comment: Not observed at significant frequency in large population cohorts (gnomAD); In silico analysis supports that this missense variant has a deleterious effect on protein structure/function; Has not been previously published as pathogenic or benign to our knowledge; This variant is associated with the following publications: (PMID: 17531815, 21120944)

Sema4
Classification: Uncertain significance for Hereditary cancer-predisposing syndrome. Last evaluated: 2021-11-18. Review status: criteria provided, single submitter. Criteria: Sema4 Curation Guidelines. Collection method: curation. Allele origin: germline.
Comment: The MSH6 c.1117C>T (p.L373F) variant has not been reported in the literature to our knowledge. It was not observed in the large and broad cohorts of the Genome Aggregation Database (PMID: 32461654). This variant has been reported in ClinVar (Variation ID: 410462). Functional studies have not been performed, and in silico predictions of the variant's effect on protein function are inconclusive. The overall evidence is insufficient to meet ACMG/AMP criteria for classifying it as benign or pathogenic. Thus, the clinical significance of this variant is currently uncertain.